The following is an entry in ClinVar:

ClinVar aggregate classification (germline): Likely pathogenic (1 of 4 stars; one submission).

Conditions:
Polycystic kidney disease 4 (PKD4). Also called: POLYCYSTIC KIDNEY AND HEPATIC DISEASE 1; POLYCYSTIC KIDNEY DISEASE, INFANTILE, TYPE I; POLYCYSTIC KIDNEY DISEASE 4 WITH OR WITHOUT POLYCYSTIC LIVER DISEASE; PKD3; Autosomal Recessive Polycystic Kidney Disease – PKHD1. Identifiers: MedGen C4540575, MONDO:0033004, OMIM 263200.

Submission:

Myriad Genetics, Inc.
Classification: Likely pathogenic for Polycystic kidney disease 4. Last evaluated: 2022-03-06. Review status: criteria provided, single submitter. Criteria: Myriad Women's Health Autosomal Recessive and X-Linked Classification Criteria (2021). Collection method: clinical testing. Allele origin: unknown.
Comment: NM_138694.3(PKHD1):c.3726_3727delAA(L1242Ffs*8) is expected to be pathogenic in the context of autosomal recessive polycystic kidney disease, PKHD1-related. This variant is predicted to lead to an abnormal or absent protein product due to the creation of a premature termination codon in PKHD1, a gene where loss-of-function variants are known to be pathogenic. Please note: this variant was assessed in the context of healthy population screening.

NM_138694.4(PKHD1):c.3726_3727del (p.Leu1242fs)

Gene: PKHD1 (PKHD1 ciliary IPT domain containing fibrocystin/polyductin; minus strand). Cytogenetic location: 6p12.2.
Variant type: Deletion.
Coding change: c.3726_3727del on transcript NM_138694.4 (MANE Select); coding-DNA positions 3726 to 3727, 2 bases deleted (AA; older notation c.3726_3727delAA).
Protein change: p.Leu1242fs; shifts the reading frame from leucine 1242.
Molecular consequence: frameshift variant.
Genome position (GRCh38, 1-based): chr6:52,026,083-52,026,084, TT deleted on the plus strand (AA on the coding strand, the reverse complement: PKHD1 is on the minus strand). VCF-style (leftmost placement, unchanged base first): chr6-52026082-GTT-G. GRCh37 (hg19) VCF-style: chr6-51890880-GTT-G.
Other names: c.3726_3727del, p.Leu1242fs (NM_170724.3); short protein forms L1242fs.
Identifiers: ClinVar variation 1725079 (VCV001725079.2), dbSNP rs2532740782, ClinGen allele CA2580075480.
Genomic context (GRCh38, chr6:52,026,082, plus strand): 5'-GGAGCGCCCGCATCGGGTATCTGGGGGGCTGGCAGGGTTTCACACCAGATGCTCGCCTCC[GTT>G]AAGTTCACAATGTCACAGGACCGATTGCCCACAAGTACCCAAACCAAAGCTGGGTCCCTG-3'